The following is an entry in ClinVar:

ClinVar aggregate classification (germline): Uncertain significance (1 of 4 stars; one submission).

Conditions:
Immunodeficiency 67. Also called: Immunodeficiency due to interleukin-1 receptor-associated kinase-4 deficiency. Identifiers: Orphanet 70592, MedGen C1843256, MONDO:0011888, OMIM 607676.

Allele frequency attached by ClinVar (database versions not stated): gnomAD 0.00001; TOPMed 0.00001.
gnomAD v4.1: 14 of 1,612,016 alleles (0.00087%); highest among the groups gnomAD compares: Non-Finnish European, 0.0011%; no homozygotes.

Submission:

Labcorp Genetics (formerly Invitae), Labcorp
Classification: Uncertain significance for Immunodeficiency 67. Last evaluated: 2024-10-16. Review status: criteria provided, single submitter. Criteria: Invitae Variant Classification Sherloc (09022015). Collection method: clinical testing. Allele origin: germline.
Comment: This sequence change replaces leucine, which is neutral and non-polar, with isoleucine, which is neutral and non-polar, at codon 271 of the IRAK4 protein (p.Leu271Ile). This variant is not present in population databases (gnomAD no frequency). This variant has not been reported in the literature in individuals affected with IRAK4-related conditions. ClinVar contains an entry for this variant (Variation ID: 1360634). Invitae Evidence Modeling of protein sequence and biophysical properties (such as structural, functional, and spatial information, amino acid conservation, physicochemical variation, residue mobility, and thermodynamic stability) indicates that this missense variant is expected to disrupt IRAK4 protein function with a positive predictive value of 80%. In summary, the available evidence is currently insufficient to determine the role of this variant in disease. Therefore, it has been classified as a Variant of Uncertain Significance.

NM_016123.4(IRAK4):c.811C>A (p.Leu271Ile)

Gene: IRAK4 (interleukin 1 receptor associated kinase 4; plus strand). Cytogenetic location: 12q12.
Variant type: single nucleotide variant.
Coding change: c.811C>A on transcript NM_016123.4 (MANE Select); coding-DNA position 811, C replaced by A.
Protein change: p.Leu271Ile; replaces leucine 271 with isoleucine.
Molecular consequence: missense variant.
Genome position (GRCh38, 1-based): chr12:43,777,724, C>A. VCF-style: chr12-43777724-C-A. GRCh37 (hg19) VCF-style: chr12-44171527-C-A.
Other names: c.811C>A, p.Leu271Ile (NM_001114182.3, NM_001351345.2); c.439C>A, p.Leu147Ile (NM_001145256.2, NM_001145257.2, NM_001145258.2 and 5 more transcripts); c.202C>A, p.Leu68Ile (NM_001351343.2, NM_001351344.2); short protein forms L147I, L68I, L271I.
Identifiers: ClinVar variation 1360634 (VCV001360634.8), dbSNP rs1001238686, ClinGen allele CA236374270.